The following is an entry in ClinVar:

NM_004656.4(BAP1):c.1742G>A (p.Gly581Asp)

Gene: BAP1 (BRCA1 associated deubiquitinase 1; minus strand). Cytogenetic location: 3p21.1.
Variant type: single nucleotide variant.
Coding change: c.1742G>A on transcript NM_004656.4 (MANE Select); coding-DNA position 1742, G replaced by A.
Protein change: p.Gly581Asp; replaces glycine 581 with aspartic acid.
Molecular consequence: missense variant.
Genome position (GRCh38, 1-based): chr3:52,403,286, C>T on the plus strand (G>A on the coding strand, the complement: BAP1 is on the minus strand). VCF-style: chr3-52403286-C-T. GRCh37 (hg19) VCF-style: chr3-52437302-C-T.
Other names: c.1742G>A (NM_004656.2); short protein forms G581D.
Identifiers: ClinVar variation 1055807 (VCV001055807.7), dbSNP rs1578219900, ClinGen allele CA353099295.

ClinVar aggregate classification (germline): Uncertain significance. Review status: criteria provided, multiple submitters, no conflicts (2 of 4 stars). 2 submissions from 2 submitters: Uncertain significance (2). Last evaluated 2025-05-13.

Conditions:
BAP1-related tumor predisposition syndrome (TPDS1). Also called: BAP1 tumor predisposition syndrome; COMMON Syndrome; Tumor susceptibility linked to germline BAP1 mutations; TUMOR PREDISPOSITION SYNDROME 1. Identifiers: Orphanet 289539, MedGen C3280492, MONDO:0013692, OMIM 614327.
Hereditary cancer-predisposing syndrome. Also called: Hereditary Cancer Syndrome; Tumor predisposition; Hereditary neoplastic syndrome; Neoplastic Syndromes, Hereditary. Identifiers: Orphanet 140162, MedGen C0027672, MeSH D009386, MONDO:0015356.

Submissions (2):

Labcorp Genetics (formerly Invitae), Labcorp
Classification: Uncertain significance for BAP1-related tumor predisposition syndrome. Last evaluated: 2025-05-13. Review status: criteria provided, single submitter. Criteria: Invitae Variant Classification Sherloc (09022015). Collection method: clinical testing. Allele origin: germline.
Comment: This sequence change replaces glycine, which is neutral and non-polar, with aspartic acid, which is acidic and polar, at codon 581 of the BAP1 protein (p.Gly581Asp). This variant is not present in population databases (gnomAD no frequency). This variant has not been reported in the literature in individuals affected with BAP1-related conditions. ClinVar contains an entry for this variant (Variation ID: 1055807). Invitae Evidence Modeling of protein sequence and biophysical properties (such as structural, functional, and spatial information, amino acid conservation, physicochemical variation, residue mobility, and thermodynamic stability) indicates that this missense variant is not expected to disrupt BAP1 protein function with a negative predictive value of 80%. In summary, the available evidence is currently insufficient to determine the role of this variant in disease. Therefore, it has been classified as a Variant of Uncertain Significance.

Ambry Genetics
Classification: Uncertain significance for Hereditary cancer-predisposing syndrome. Last evaluated: 2023-04-09. Review status: criteria provided, single submitter. Criteria: Ambry Variant Classification Scheme 2023. Collection method: clinical testing. Allele origin: germline.
Comment: The p.G581D variant (also known as c.1742G>A), located in coding exon 14 of the BAP1 gene, results from a G to A substitution at nucleotide position 1742. The glycine at codon 581 is replaced by aspartic acid, an amino acid with similar properties. This amino acid position is conserved. In addition, this alteration is predicted to be tolerated by in silico analysis. Since supporting evidence is limited at this time, the clinical significance of this alteration remains unclear.